The following is an entry in ClinVar:

NM_000094.4(COL7A1):c.8528-1G>A

Gene: COL7A1 (collagen type VII alpha 1 chain; minus strand). Cytogenetic location: 3p21.31.
Variant type: single nucleotide variant.
Coding change: c.8528-1G>A on transcript NM_000094.4 (MANE Select); the canonical splice acceptor site of the intron before coding-DNA position 8528, G replaced by A.
Molecular consequence: splice acceptor variant.
Genome position (GRCh38, 1-based): chr3:48,565,202, C>T on the plus strand (G>A on the coding strand, the complement: COL7A1 is on the minus strand). VCF-style: chr3-48565202-C-T. GRCh37 (hg19) VCF-style: chr3-48602635-C-T.
Other names: c.8528-1G>A (NM_000094.3).
Identifiers: ClinVar variation 3589238 (VCV003589238.2).

ClinVar aggregate classification (germline): Pathogenic/Likely pathogenic. Review status: criteria provided, multiple submitters, no conflicts (2 of 4 stars). 2 submissions from 2 submitters: Pathogenic (1); Likely pathogenic (1). Last evaluated 2024-05-18.

Conditions:
Epidermolysis bullosa dystrophica. Also called: Dystrophic epidermolysis bullosa, Hallopeau-Siemens type (formerly); Dystrophic epidermolysis bullosa. Identifiers: Orphanet 303, MedGen C0079294, MONDO:0006543.
Nonsyndromic congenital nail disorder 8. Also called: TOENAIL DYSTROPHY, ISOLATED. Identifiers: MedGen C1843761, MONDO:0011852, OMIM 607523.
Recessive dystrophic epidermolysis bullosa (RDEB). Also called: severe generalized recessive dystrophic epidermolysis bullosa; EPIDERMOLYSIS BULLOSA DYSTROPHICA, GENERALIZED SEVERE, AUTOSOMAL RECESSIVE; DYSTROPHIC EPIDERMOLYSIS BULLOSA, AUTOSOMAL RECESSIVE; EPIDERMOLYSIS BULLOSA DYSTROPHICA, HALLOPEAU-SIEMENS TYPE; epidermolysis bullosa dystrophica, autosomal recessive; Recessive DEB (RDEB). Identifiers: Orphanet 79408, Orphanet 79409, MedGen C0079474, MONDO:0009179, OMIM 226600.
Dominant dystrophic epidermolysis bullosa with absence of skin. Also called: EPIDERMOLYSIS BULLOSA WITH CONGENITAL LOCALIZED ABSENCE OF SKIN AND DEFORMITY OF NAILS; EPIDERMOLYSIS BULLOSA DYSTROPHICA, BART TYPE. Identifiers: MedGen C0268371, MONDO:0007557, OMIM 132000.
Generalized dominant dystrophic epidermolysis bullosa (DDEB). Also called: Dominant DEB (DDEB); DDEB, generalized; DDEB-gen; DYSTROPHIC EPIDERMOLYSIS BULLOSA, AUTOSOMAL DOMINANT; Epidermolysis bullosa dystrophica, autosomal dominant. Identifiers: Orphanet 231568, MedGen C0432322, MONDO:0007549, OMIM 131750.
Epidermolysis bullosa pruriginosa. Also called: DEB, PRURIGINOSA; DYSTROPHIC EPIDERMOLYSIS BULLOSA PRURIGINOSA. Identifiers: Orphanet 89843, MedGen C1275114, MONDO:0011398, OMIM 604129.
Transient bullous dermolysis of the newborn (TBDN). Also called: DYSTROPHIC EPIDERMOLYSIS BULLOSA, NEONATAL; EPIDERMOLYSIS BULLOSA DYSTROPHICA, NEONATAL FORM. Identifiers: Orphanet 79411, MedGen C1851573, MONDO:0007548, OMIM 131705.
Pretibial dystrophic epidermolysis bullosa. Also called: Pretibial epidermolysis bullosa; EPIDERMOLYSIS BULLOSA DYSTROPHICA, PRETIBIAL; Pretibial blistering. Identifiers: Orphanet 79410, MedGen C0432321, MONDO:0007552, OMIM 131850, HP:0012221.

Submissions (2):

Fulgent Genetics
Classification: Likely pathogenic for Transient bullous dermolysis of the newborn; Generalized dominant dystrophic epidermolysis bullosa; Pretibial dystrophic epidermolysis bullosa; Dominant dystrophic epidermolysis bullosa with absence of skin; Recessive dystrophic epidermolysis bullosa; Epidermolysis bullosa pruriginosa; Nonsyndromic congenital nail disorder 8. Last evaluated: 2024-05-18. Review status: criteria provided, single submitter. Criteria: ACMG Guidelines, 2015. Collection method: clinical testing. Allele origin: germline.

Natera, Inc.
Classification: Pathogenic for Dystrophic epidermolysis bullosa. Last evaluated: 2024-05-10. Review status: criteria provided, single submitter. Criteria: Natera Variant Classification Schema (03/2026). Collection method: clinical testing. Allele origin: germline.
Comment: The c.8528-1G>A variant in COL7A1 is a canonical splice acceptor site variant predicted to affect pre-mRNA splicing, which may result in an abnormal transcript and altered protein product. This variant may result in a truncated or dysfunctional protein product. This variant is rare in the general population with a frequency below the threshold expected for the associated phenotype(s). This variant has been observed in one or more individuals affected with the associated recessive disease, as either homozygous or compound heterozygous with a second variant (PMID: 34435747). Another variant at this same site results in an alteration predicted to cause a similar molecular effect has been observed in individual(s) with the associated phenotype. Given the available evidence, this variant is classified as Pathogenic.

Literature cited by the submitters: PubMed 34435747 (cited by Natera, Inc.).